The following is an entry in ClinVar:

NM_181523.3(PIK3R1):c.473T>C (p.Leu158Pro)

Gene: PIK3R1 (phosphoinositide-3-kinase regulatory subunit 1; plus strand). Cytogenetic location: 5q13.1.
Variant type: single nucleotide variant.
Coding change: c.473T>C on transcript NM_181523.3 (MANE Select); coding-DNA position 473, T replaced by C.
Protein change: p.Leu158Pro; replaces leucine 158 with proline.
Molecular consequence: missense variant.
Genome position (GRCh38, 1-based): chr5:68,273,984, T>C. VCF-style: chr5-68273984-T-C. GRCh37 (hg19) VCF-style: chr5-67569812-T-C.
Other names: NM_181523.3(PIK3R1):c.473T>C; p.Leu158Pro; short protein forms L158P.
Identifiers: ClinVar variation 2534971 (VCV002534971.3), dbSNP rs2530930926, ClinGen allele CA359873039.

ClinVar aggregate classification (germline): Uncertain significance. Review status: reviewed by expert panel (3 of 4 stars). 2 submissions from 2 submitters: Uncertain significance (1). 1 of the submissions does not count toward it. Last evaluated 2026-05-19.

Conditions:
PIK3R1-related immunodeficiency and SHORT syndrome. Identifiers: MedGen CN379774, MONDO:1060136.
Inborn genetic diseases. Identifiers: MedGen C0950123, MeSH D030342.

Submissions (2):

ClinGen Primary Immune Regulatory Disorders Variant Curation Expert Panel, ClinGen
Classification: Uncertain significance for PIK3R1-related immunodeficiency and SHORT syndrome. Last evaluated: 2026-05-19. Review status: reviewed by expert panel. Criteria: ClinGen AbDef ACMG Specifications PIK3R1 V1.0.0. Collection method: curation. Allele origin: germline. Inheritance: Autosomal dominant inheritance.
Comment: NM_181523.3(PIK3R1):c.473T>C (p.Leu158Pro) is a missense variant causing replacement of leucine with proline at amino acid 158. This variant is absent from gnomAD v4.1.0 (PM2_Supporting). This variant has been observed in an unreported state of zygosity in at least 1 patient submitted to ClinVar who may be unaffected, however, the BS2 code does not apply to variants in PIK3R1 due to incomplete penetrance and variable expressivity of disease (SCV003969437.2). The computational predictor REVEL gives a score of 0.061, which is below the ClinGen Antibody Deficiencies VCEP threshold of <0.290 and predicts a non-damaging effect on PIK3R1 function. The computational predictor CADD gives a PHRED score of 17.45, which is below the ClinGen Antibody Deficiencies VCEP threshold of <21.5 and predicts a non-deleterious effect on PIK3R1 function. The two predictors agree on a non-damaging effect. Additionally, the splicing impact predictor SpliceAI gives a score of 0.01 for donor gain, which is below the ClinGen Antibody Deficiencies VCEP recommended threshold of <0.1 and does not predict an impact on splicing (BP4). A base editing screen introducing this variant into primary T cells using 2 separate guide RNAs showed log2 enrichment scores of either 0.85623 or -0.50292 in the high-phospho-AKT / high-phospho-S6 fraction of cells relative to the low-phospho-AKT / low-phospho-S6 fraction of cells, with two-sided p-values of either 0.89799 or 0.50075, indicating no significant disruption of the PI3K pathway. Because this variant was considered an internal benign control for the assay, BS3_Supporting was not evaluated (PMID: 40543502). In summary, this variant meets the criteria to be classified as a variant of uncertain significance for autosomal dominant PIK3R1-related immunodeficiency and SHORT syndrome based on the ACMG/AMP criteria applied, as specified by the ClinGen Antibody Deficiencies VCEP: PM2_Supporting and BP4. (VCEP specifications version 1.0.0; date of approval 04/29/2026).

Ambry Genetics
Classification: Likely benign for Inborn genetic diseases. Last evaluated: 2023-04-07. Review status: criteria provided, single submitter. Criteria: Ambry Variant Classification Scheme 2023. Collection method: clinical testing. Allele origin: germline. Not counted in ClinVar's aggregate classification.